The following is an entry in ClinVar:

ClinVar aggregate classification (germline): Conflicting classifications of pathogenicity. Review status: criteria provided, conflicting classifications (1 of 4 stars). 2 submissions from 2 submitters: Uncertain significance (1); Benign (1). Last evaluated 2026-07-31.

Conditions:
CREBBP-related disorder. Also called: CREBBP-related condition; CREBBP-related disorders.
Rubinstein-Taybi syndrome (RSTS). Identifiers: Orphanet 783, MedGen C0035934, MONDO:0019188.

Allele frequency attached by ClinVar (database versions not stated): gnomAD 0.00001; TOPMed 0.00001.
gnomAD v4.1: 11 of 1,613,978 alleles (0.00068%); highest among the groups gnomAD compares: African/African-American, 0.0027%; no homozygotes.

Submissions (2):

PreventionGenetics, part of Exact Sciences
Classification: Uncertain significance for CREBBP-related condition. Last evaluated: 2026-07-31. Review status: criteria provided, single submitter. Criteria: ACMG Guidelines, 2015. Collection method: clinical testing. Allele origin: germline.
Comment: The CREBBP c.395G>A variant is predicted to result in the amino acid substitution p.Ser132Asn. To our knowledge, this variant has not been reported in the literature. This variant is reported in 0.011% of alleles in individuals of African descent in gnomAD. Although we suspect that this variant may be benign, at this time, the clinical significance of this variant is uncertain due to the absence of conclusive functional and genetic evidence.

Labcorp Genetics (formerly Invitae), Labcorp
Classification: Benign for Rubinstein-Taybi syndrome. Last evaluated: 2023-08-17. Review status: criteria provided, single submitter. Criteria: Invitae Variant Classification Sherloc (09022015). Collection method: clinical testing. Allele origin: germline.

NM_004380.3(CREBBP):c.395G>A (p.Ser132Asn)

Gene: CREBBP (CREB binding lysine acetyltransferase; minus strand). Cytogenetic location: 16p13.3.
Variant type: single nucleotide variant.
Coding change: c.395G>A on transcript NM_004380.3 (MANE Select); coding-DNA position 395, G replaced by A.
Protein change: p.Ser132Asn; replaces serine 132 with asparagine.
Molecular consequence: missense variant.
Genome position (GRCh38, 1-based): chr16:3,850,700, C>T on the plus strand (G>A on the coding strand, the complement: CREBBP is on the minus strand). VCF-style: chr16-3850700-C-T. GRCh37 (hg19) VCF-style: chr16-3900701-C-T.
Other names: c.395G>A, p.Ser132Asn (NM_001079846.1); c.395G>A (NM_004380.2); short protein forms S132N.
Identifiers: ClinVar variation 2150871 (VCV002150871.5), dbSNP rs983063124, ClinGen allele CA276987276.
Genomic context (GRCh38, chr16:3,850,700, plus strand): 5'-TTCAGTGCTTGGGAGGCAGCGGGGGTGGGCCCAGAGGTGCTGGCTGCCTGTTTAGGCAGG[C>T]TGGGGGCTGAAGAATCTCCCTGGCTCAGAGGGCTCTTGCCCATGGCACTGAGGCTGGCCA-3'
Protein context (NP_004371.2, residues 122-142): PLSQGDSSAP[Ser132Asn]LPKQAASTSG